The following is an entry in ClinVar:

NM_198252.3(GSN):c.-10+4630A>G

Genes: GSN (gelsolin; plus strand), LOC126860753 (MED14-independent group 3 enhancer GRCh37_chr9:124048350-124049549; plus strand). Cytogenetic location: 9q33.2.
Variant type: single nucleotide variant.
Coding change: c.-10+4630A>G on transcript NM_198252.3 (MANE Select); 4630 bases into the intron after 10 bases upstream of the start codon, A replaced by G.
Molecular consequence: intron variant.
Genome position (GRCh38, 1-based): chr9:121,286,192, A>G. VCF-style: chr9-121286192-A-G. GRCh37 (hg19) VCF-style: chr9-124048470-A-G.
Other names: c.-10+4630A>G (NM_001353054.1, NM_001353053.1, NM_001353060.2 and 2 more transcripts); c.-48+4630A>G (NM_001353064.2, NM_001353066.2, NM_001353076.2 and 1 more transcripts); c.-2+4630A>G (NM_001353058.2, NM_001353057.2); c.-39+3642A>G (NM_001353073.2, NM_001353068.2); c.-39+4239A>G (NM_001353065.2); c.-10+4239A>G (NM_001127664.2); c.-2+3642A>G (NM_001353059.2, NM_001353056.2); c.-48+3642A>G (NM_001353072.2); and 13 more.
Identifiers: ClinVar variation 4979507 (VCV004979507.1).

ClinVar aggregate classification (germline): Likely benign (1 of 4 stars; one submission).

Conditions:
GSN-related disorder. Also called: GSN-related condition.

gnomAD v4.1: 43 of 1,521,130 alleles (0.0028%); highest among the groups gnomAD compares: African/African-American, 0.048%; no homozygotes.

Submission:

PreventionGenetics, part of Exact Sciences
Classification: Likely benign for GSN-related condition. Last evaluated: 2026-03-12. Review status: criteria provided, single submitter. Criteria: ACMG Guidelines, 2015. Collection method: clinical testing. Allele origin: germline.
Comment: This variant is classified as likely benign based on ACMG/AMP sequence variant interpretation guidelines (Richards et al. 2015 PMID: 25741868, with internal and published modifications).